The following is an entry in ClinVar:

ClinVar aggregate classification (germline): Uncertain significance (1 of 4 stars; one submission).

Conditions:
Joubert syndrome. Also called: CEREBELLOPARENCHYMAL DISORDER IV; JOUBERT-BOLTSHAUSER SYNDROME; Familial aplasia of the vermis. Identifiers: Orphanet 475, MedGen C5979921, MONDO:0018772.

Submission:

Labcorp Genetics (formerly Invitae), Labcorp
Classification: Uncertain significance for Joubert syndrome. Last evaluated: 2021-12-11. Review status: criteria provided, single submitter. Criteria: Invitae Variant Classification Sherloc (09022015). Collection method: clinical testing. Allele origin: germline.
Comment: In summary, the available evidence is currently insufficient to determine the role of this variant in disease. Therefore, it has been classified as a Variant of Uncertain Significance. Advanced modeling of protein sequence and biophysical properties (such as structural, functional, and spatial information, amino acid conservation, physicochemical variation, residue mobility, and thermodynamic stability) performed at Invitae indicates that this missense variant is not expected to disrupt AHI1 protein function. This variant has not been reported in the literature in individuals affected with AHI1-related conditions. This variant is not present in population databases (gnomAD no frequency). This sequence change replaces glutamic acid, which is acidic and polar, with glutamine, which is neutral and polar, at codon 286 of the AHI1 protein (p.Glu286Gln).

NM_001134831.2(AHI1):c.856G>C (p.Glu286Gln)

Gene: AHI1 (Abelson helper integration site 1; minus strand). Cytogenetic location: 6q23.3.
Variant type: single nucleotide variant.
Coding change: c.856G>C on transcript NM_001134831.2 (MANE Select); coding-DNA position 856, G replaced by C.
Protein change: p.Glu286Gln; replaces glutamic acid 286 with glutamine.
Molecular consequence: missense variant.
Genome position (GRCh38, 1-based): chr6:135,463,200, C>G on the plus strand (G>C on the coding strand, the complement: AHI1 is on the minus strand). VCF-style: chr6-135463200-C-G. GRCh37 (hg19) VCF-style: chr6-135784338-C-G.
Other names: c.856G>C, p.Glu286Gln (NM_001134830.2, NM_001134832.2, NM_001350503.2 and 2 more transcripts); short protein forms E286Q.
Identifiers: ClinVar variation 1915874 (VCV001915874.5), dbSNP rs894830970, ClinGen allele CA148147170.